The following is an entry in ClinVar:

ClinVar aggregate classification (germline): Uncertain significance (1 of 4 stars; one submission).

Submission:

Labcorp Genetics (formerly Invitae), Labcorp
Classification: Uncertain significance. Last evaluated: 2025-11-03. Review status: criteria provided, single submitter. Criteria: Invitae Variant Classification Sherloc (09022015). Collection method: clinical testing. Allele origin: germline.
Comment: This sequence change replaces alanine, which is neutral and non-polar, with serine, which is neutral and polar, at codon 21 of the POMP protein (p.Ala21Ser). This variant is not present in population databases (gnomAD no frequency). This variant has not been reported in the literature in individuals affected with POMP-related conditions. ClinVar contains an entry for this variant (Variation ID: 1954034). An algorithm developed to predict the effect of missense changes on protein structure and function (PolyPhen-2) suggests that this variant is likely to be tolerated. In summary, the available evidence is currently insufficient to determine the role of this variant in disease. Therefore, it has been classified as a Variant of Uncertain Significance.

NM_015932.6(POMP):c.61G>T (p.Ala21Ser)

Gene: POMP (proteasome maturation protein; plus strand). Cytogenetic location: 13q12.3.
Variant type: single nucleotide variant.
Coding change: c.61G>T on transcript NM_015932.6 (MANE Select); coding-DNA position 61, G replaced by T.
Protein change: p.Ala21Ser; replaces alanine 21 with serine.
Molecular consequence: missense variant.
Genome position (GRCh38, 1-based): chr13:28,662,467, G>T. VCF-style: chr13-28662467-G-T. GRCh37 (hg19) VCF-style: chr13-29236604-G-T.
Other names: short protein forms A21S.
Identifiers: ClinVar variation 1954034 (VCV001954034.5), dbSNP rs1884361918, ClinGen allele CA387802170.